The following is an entry in ClinVar:

NM_000552.5(VWF):c.2438dup (p.Met814fs)

Gene: VWF (von Willebrand factor; minus strand). Cytogenetic location: 12p13.31.
Variant type: Duplication.
Coding change: c.2438dup on transcript NM_000552.5 (MANE Select); coding-DNA position 2438, one base duplicated (G; older notation c.2438dupG).
Protein change: p.Met814fs; shifts the reading frame from methionine 814.
Molecular consequence: frameshift variant.
Genome position (GRCh38, 1-based): chr12:6,044,295, C duplicated on the plus strand (G on the coding strand, the reverse complement: VWF is on the minus strand); the first of 3 consecutive C bases (chr12:6,044,295-6,044,297); duplicating any one gives the same sequence. VCF-style (leftmost placement, unchanged base first): chr12-6044294-G-GC. GRCh37 (hg19) VCF-style: chr12-6153460-G-GC.
Other names: p.Met814Hisfs*5; c.2438dup (NM_000552.4, NM_000552.3); c.2438dupG (NM_000552.5); short protein forms M814fs.
Identifiers: ClinVar variation 3032014 (VCV003032014.9), dbSNP rs758895722, ClinGen allele CA6403076.

ClinVar aggregate classification (germline): Pathogenic. Review status: criteria provided, multiple submitters, no conflicts (2 of 4 stars). 7 submissions from 7 submitters: Pathogenic (6). 1 of the submissions does not count toward it. Last evaluated 2025-06-09.

Conditions:
von Willebrand disease type 1 (VWD1). Also called: VON WILLEBRAND DISEASE, TYPE I; VWD, TYPE 1. Identifiers: Orphanet 166078, Orphanet 903, MedGen C1264039, MONDO:0008668, OMIM 193400. Inheritance: autosomal recessive or autosomal dominant.
von Willebrand disorder (VWD). Also called: von Willebrand Diseases; von Willebrand's disease; Von Willebrand disease (hereditary or acquired). Identifiers: MedGen C0042974, MeSH D014842, MONDO:0024574.
VWF-related disorder. Also called: VWF-related disorders; VWF-related condition.

Submissions (7):

Women's Health and Genetics/Laboratory Corporation of America, LabCorp
Classification: Pathogenic for von Willebrand disorder. Last evaluated: 2025-06-09. Review status: criteria provided, single submitter. Criteria: LabCorp Variant Classification Summary - May 2015. Collection method: clinical testing. Allele origin: germline.
Comment: Variant summary: VWF c.2438dupG (p.Met814HisfsX5) results in a premature termination codon, predicted to cause a truncation of the encoded protein or absence of the protein due to nonsense mediated decay, which are commonly known mechanisms for disease. The variant allele was found at a frequency of 8e-06 in 250982 control chromosomes. c.2438dupG has been observed in individuals affected with Von Willebrand Disease (e.g. Bowman_2013). These data indicate that the variant may be associated with disease. To our knowledge, no experimental evidence demonstrating an impact on protein function has been reported. The following publication have been ascertained in the context of this evaluation (PMID: 23311757). ClinVar contains an entry for this variant (Variation ID: 3032014). Based on the evidence outlined above, the variant was classified as pathogenic.

ARUP Laboratories, Molecular Genetics and Genomics, ARUP Laboratories
Classification: Pathogenic. Last evaluated: 2025-04-28. Review status: criteria provided, single submitter. Criteria: ARUP Molecular Germline Variant Investigation Process 2024. Collection method: clinical testing. Allele origin: germline.
Comment: The VWF c.2438dupG; p.Met814HisfsTer5 variant (rs758895722) is reported in the literature in the compound heterozygous state in individuals affected with von Willebrand disease (VWD) types 1, 2, or 3 (Bowman 2013, Christopherson 2022, Sadler 2021, Starke 2013,) or in the heterozygous carriers with VWD type 1 or low VWF. This variant is only observed on two alleles in the Genome Aggregation Database v2.1.1, indicating it is not a common polymorphism. This variant causes a frameshift by inserting a single nucleotide, so it is predicted to result in a truncated protein or mRNA subject to nonsense-mediated decay. Functional studies show a significant decrease in mRNA and protein expression in patient cells (Starke 2013). Based on available information, this variant is considered to be pathogenic. References: Bowman M et al. The genetics of Canadian type 3 von Willebrand disease: further evidence for co-dominant inheritance of mutant alleles. J Thromb Haemost. 2013 Mar;11(3):512-20. PMID: 23311757. Christopherson PA et al. Molecular pathogenesis and heterogeneity in type 3 VWD families in U.S. Zimmerman program. J Thromb Haemost. 2022 Jul;20(7):1576-1588. PMID: 35343054. Sadler B et al. von Willebrand factor antigen levels are associated with burden of rare nonsynonymous variants in the VWF gene. Blood. 2021 Jun 10;137(23):3277-3283. PMID: 33556167. Starke RD et al. Cellular and molecular basis of von Willebrand disease: studies on blood outgrowth endothelial cells. Blood. 2013 Apr 4;121(14):2773-84. PMID: 23355534.

Victorian Clinical Genetics Services, Murdoch Childrens Research Institute
Classification: Pathogenic for von Willebrand disease type 1. Last evaluated: 2025-03-24. Review status: criteria provided, single submitter. Criteria: ACMG Guidelines, 2015. Collection method: clinical testing. Allele origin: germline.
Comment: This variant is classified as Pathogenic. Evidence in support of pathogenic classification: Variant is predicted to cause nonsense-mediated decay (NMD) and loss of protein (premature termination codon is located at least 54 nucleotides upstream of the final exon-exon junction); Variant is present in gnomAD (v3) <0.01 (3 heterozygotes, 0 homozygotes); This variant has strong previous evidence of pathogenicity in unrelated individuals. This variant has been observed in multiple heterozygous individuals with type III von Willebrand disease, where almost all had a second variant identified in this gene. It has also been observed in several heterozygous individuals with type I or with low VWF levels (PMID: 23311757; PMID: 35343054, PMID: 23777763, PMID: 23355534); Other NMD-predicted variants comparable to the one identified in this case have very strong previous evidence for pathogenicity. These variants have been reported many times as pathogenic (DECIPHER). Additional information: This variant is heterozygous; This gene is associated with both recessive and dominant disease. VWD can be both dominantly and recessively inherited, and is categorised into six different types: 1 (MIM#193400), 2A, 2B, 2M, 2N (MIM#613554) and 3 (MIM#277480); Dominant negative, gain of function and loss of function are known mechanisms of disease in this gene and are associated with von Willebrand disease (VWD) (OMIM, PMID: 30488424); The condition associated with this gene has incomplete penetrance (PMID: 19372260); Variants in this gene are known to have variable expressivity (PMID: 19372260).

GeneDx
Classification: Pathogenic. Last evaluated: 2024-08-14. Review status: criteria provided, single submitter. Criteria: GeneDx Variant Classification Process June 2021. Collection method: clinical testing. Allele origin: germline. Affected: yes.
Comment: Frameshift variant predicted to result in protein truncation or nonsense mediated decay in a gene for which loss of function is a known mechanism of disease; Not observed at significant frequency in large population cohorts (gnomAD); This variant is associated with the following publications: (PMID: 37647632, Cutler2009[abstract], 35343054, 23355534, 33556167, 23311757)

Blueprint Genetics
Classification: Pathogenic for VWF-related disorders. Last evaluated: 2023-10-21. Review status: criteria provided, single submitter. Criteria: ACMG Guidelines, 2015. Collection method: clinical testing. Allele origin: germline. Affected: yes. Observed: 2 variant alleles.

Mayo Clinic Laboratories, Mayo Clinic
Classification: Pathogenic. Last evaluated: 2023-09-29. Review status: criteria provided, single submitter. Criteria: ACMG Guidelines, 2015. Collection method: clinical testing. Allele origin: germline. Observed: 1 variant allele.
Comment: PM2_moderate, PS4_moderate, PVS1

PreventionGenetics, part of Exact Sciences
Classification: Pathogenic for VWF-related condition. Last evaluated: 2023-12-15. Review status: no assertion criteria provided. Collection method: clinical testing. Allele origin: germline. Not counted in ClinVar's aggregate classification.
Comment: The VWF c.2438dupG variant is predicted to result in a frameshift and premature protein termination (p.Met814Hisfs*5). This variant has been reported to be causative for von Willebrand Disease (VWD) type 1 or type 3 (Starke et al. 2013. PubMed ID: 23355534; Bowman et al. 2013. PubMed ID: 23311757). This variant is reported in 0.0018% of alleles in individuals of European (Non-Finnish) descent in gnomAD. Frameshift variants in VWF are expected to be pathogenic. This variant is interpreted as pathogenic.

Literature cited by the submitters: PubMed 23311757 (cited by 3 submitters); PubMed 30488424 (cited by Victorian Clinical Genetics Services, Murdoch Childrens Research Institute); PubMed 35343054 (cited by Victorian Clinical Genetics Services, Murdoch Childrens Research Institute and Mayo Clinic Laboratories, Mayo Clinic); PubMed 23777763 (cited by Victorian Clinical Genetics Services, Murdoch Childrens Research Institute and Mayo Clinic Laboratories, Mayo Clinic); PubMed 23355534 (cited by Victorian Clinical Genetics Services, Murdoch Childrens Research Institute and Mayo Clinic Laboratories, Mayo Clinic); PubMed 19372260 (cited by Victorian Clinical Genetics Services, Murdoch Childrens Research Institute); PubMed 33556167 (cited by Mayo Clinic Laboratories, Mayo Clinic); PubMed 37647632 (cited by Mayo Clinic Laboratories, Mayo Clinic).